The following is an entry in ClinVar:

ClinVar aggregate classification (germline): Uncertain significance (1 of 4 stars; one submission).

Submission:

Labcorp Genetics (formerly Invitae), Labcorp
Classification: Uncertain significance. Last evaluated: 2023-10-13. Review status: criteria provided, single submitter. Criteria: Invitae Variant Classification Sherloc (09022015). Collection method: clinical testing. Allele origin: germline.
Comment: This sequence change replaces serine, which is neutral and polar, with proline, which is neutral and non-polar, at codon 2215 of the VCAN protein (p.Ser2215Pro). This variant is not present in population databases (gnomAD no frequency). This variant has not been reported in the literature in individuals affected with VCAN-related conditions. Algorithms developed to predict the effect of missense changes on protein structure and function output the following: SIFT: "Not Available"; PolyPhen-2: "Benign"; Align-GVGD: "Not Available". The proline amino acid residue is found in multiple mammalian species, which suggests that this missense change does not adversely affect protein function. In summary, the available evidence is currently insufficient to determine the role of this variant in disease. Therefore, it has been classified as a Variant of Uncertain Significance.

NM_004385.5(VCAN):c.6643T>C (p.Ser2215Pro)

Genes: VCAN (versican; plus strand), VCAN-AS1 (VCAN antisense RNA 1; minus strand). Cytogenetic location: 5q14.3.
Variant type: single nucleotide variant.
Coding change: c.6643T>C on transcript NM_004385.5 (MANE Select); coding-DNA position 6643, T replaced by C.
Protein change: p.Ser2215Pro; replaces serine 2215 with proline.
Molecular consequence: missense variant. On other transcripts: intron variant (2).
Genome position (GRCh38, 1-based): chr5:83,539,646, T>C. VCF-style: chr5-83539646-T-C. GRCh37 (hg19) VCF-style: chr5-82835465-T-C.
Other names: c.3682T>C, p.Ser1228Pro (NM_001164097.2); c.4004-5891T>C (NM_001164098.2); c.1043-5891T>C (NM_001126336.3); short protein forms S1228P, S2215P.
Identifiers: ClinVar variation 2818173 (VCV002818173.3), dbSNP rs2479114526, ClinGen allele CA360313020.